The following is an entry in ClinVar:

NM_001375567.1(FOCAD):c.1172A>C (p.Glu391Ala)

Gene: FOCAD (focadhesin; plus strand). Cytogenetic location: 9p21.3.
Variant type: single nucleotide variant.
Coding change: c.1172A>C on transcript NM_001375567.1 (MANE Select); coding-DNA position 1172, A replaced by C.
Protein change: p.Glu391Ala; replaces glutamic acid 391 with alanine.
Molecular consequence: missense variant.
Genome position (GRCh38, 1-based): chr9:20,781,904, A>C. VCF-style: chr9-20781904-A-C. GRCh37 (hg19) VCF-style: chr9-20781903-A-C.
Other names: c.1172A>C, p.Glu391Ala (NM_001375568.1, NM_017794.5); c.1067A>C, p.Glu356Ala (NM_001375570.1); short protein forms E356A, E391A.
Identifiers: ClinVar variation 3638029 (VCV003638029.2).

ClinVar aggregate classification (germline): Uncertain significance (1 of 4 stars; one submission).

gnomAD v4.1: 1 of 1,613,950 alleles (0.000062%); highest among the groups gnomAD compares: Non-Finnish European, 0.000085%; no homozygotes.

Submission:

Labcorp Genetics (formerly Invitae), Labcorp
Classification: Uncertain significance. Last evaluated: 2024-06-03. Review status: criteria provided, single submitter. Criteria: Invitae Variant Classification Sherloc (09022015). Collection method: clinical testing. Allele origin: germline.
Comment: This sequence change replaces glutamic acid, which is acidic and polar, with alanine, which is neutral and non-polar, at codon 391 of the FOCAD protein (p.Glu391Ala). This variant is not present in population databases (gnomAD no frequency). This variant has not been reported in the literature in individuals affected with FOCAD-related conditions. Experimental studies and prediction algorithms are not available or were not evaluated, and the functional significance of this variant is currently unknown. In summary, the available evidence is currently insufficient to determine the role of this variant in disease. Therefore, it has been classified as a Variant of Uncertain Significance.